The following is an entry in ClinVar:

NM_001330260.2(SCN8A):c.635_640del (p.Asp212_Leu213del)

Gene: SCN8A (sodium voltage-gated channel alpha subunit 8; plus strand). Cytogenetic location: 12q13.13.
Variant type: Deletion.
Coding change: c.635_640del on transcript NM_001330260.2 (MANE Select); coding-DNA positions 635 to 640, 6 bases deleted (ACCTGG; older notation c.635_640delACCTGG).
Protein change: p.Asp212_Leu213del.
Molecular consequence: inframe deletion. On other transcripts: intron variant (2).
Genome position (GRCh38, 1-based): chr12:51,689,025-51,689,030, ACCTGG deleted; deleting any 6 consecutive bases within chr12:51,689,022-51,689,030 gives the same sequence; the c. name uses the placement nearest the transcript's 3' end. VCF-style (leftmost placement, unchanged base first): chr12-51689021-GTGGACC-G. GRCh37 (hg19) VCF-style: chr12-52082805-GTGGACC-G.
Other names: c.635_640del, p.Asp212_Leu213del (NM_001369788.1); c.706+176_706+181del (NM_014191.4, NM_001177984.3).
Identifiers: ClinVar variation 2765998 (VCV002765998.3), dbSNP rs2540159137, ClinGen allele CA2697553041.

ClinVar aggregate classification (germline): Uncertain significance (1 of 4 stars; one submission).

Conditions:
Early-infantile DEE. Also called: Ohtahara syndrome; Early infantile epileptic encephalopathy; Early infantile epileptic encephalopathy with suppression bursts. Identifiers: Orphanet 1934, MedGen C0393706, MONDO:0800491.

Submission:

Labcorp Genetics (formerly Invitae), Labcorp
Classification: Uncertain significance for Early-infantile DEE. Last evaluated: 2023-10-05. Review status: criteria provided, single submitter. Criteria: Invitae Variant Classification Sherloc (09022015). Collection method: clinical testing. Allele origin: germline.
Comment: The SCN8A gene has multiple clinically relevant transcripts. This variant occurs in alternate transcript NM_001330260.1, and corresponds to NM_014191.3:c.706+176_706+181del in the primary transcript. This variant, c.635_640del, results in the deletion of 2 amino acid(s) of the SCN8A protein (p.Asp212_Leu213del), but otherwise preserves the integrity of the reading frame. This variant is not present in population databases (gnomAD no frequency). This variant has not been reported in the literature in individuals affected with SCN8A-related conditions. Algorithms developed to predict the effect of sequence changes on RNA splicing suggest that this variant is not likely to affect RNA splicing. In summary, the available evidence is currently insufficient to determine the role of this variant in disease. Therefore, it has been classified as a Variant of Uncertain Significance.